The following is an entry in ClinVar:

ClinVar aggregate classification (germline): Uncertain significance (1 of 4 stars; one submission).

Conditions:
Xeroderma pigmentosum, group F (XPF). Also called: XERODERMA PIGMENTOSUM, TYPE F; Xeroderma pigmentosum, type 6; XERODERMA PIGMENTOSUM, COMPLEMENTATION GROUP F; ERCC4-Related Xeroderma Pigmentosum; XERODERMA PIGMENTOSUM VI; XP, GROUP F. Identifiers: MedGen C0268140, MONDO:0010215, OMIM 278760.
Cockayne syndrome. Identifiers: Orphanet 191, MedGen C0009207, MONDO:0016006.
Fanconi anemia complementation group Q. Identifiers: Orphanet 84, MedGen C3808988, MONDO:0014108, OMIM 615272.

Submission:

Labcorp Genetics (formerly Invitae), Labcorp
Classification: Uncertain significance for Fanconi anemia complementation group Q; Xeroderma pigmentosum, group F; Cockayne syndrome. Last evaluated: 2021-12-19. Review status: criteria provided, single submitter. Criteria: Invitae Variant Classification Sherloc (09022015). Collection method: clinical testing. Allele origin: germline.
Comment: This variant is not present in population databases (gnomAD no frequency). In summary, the available evidence is currently insufficient to determine the role of this variant in disease. Therefore, it has been classified as a Variant of Uncertain Significance. Experimental studies and prediction algorithms are not available or were not evaluated, and the functional significance of this variant is currently unknown. This variant has not been reported in the literature in individuals affected with ERCC4-related conditions. This variant, c.2448_2449insCAACAAAGCACAAAG, results in the insertion of 5 amino acid(s) of the ERCC4 protein (p.Leu816_Lys817insGlnGlnSerThrLys), but otherwise preserves the integrity of the reading frame.

NM_005236.3(ERCC4):c.2448_2449insCAACAAAGCACAAAG (p.Leu816_Lys817insGlnGlnSerThrLys)

Gene: ERCC4 (ERCC excision repair 4, endonuclease catalytic subunit; plus strand). Cytogenetic location: 16p13.12.
Variant type: Insertion.
Coding change: c.2448_2449insCAACAAAGCACAAAG on transcript NM_005236.3 (MANE Select); coding-DNA positions 2448 to 2449, CAACAAAGCACAAAG inserted.
Protein change: p.Leu816_Lys817insGlnGlnSerThrLys.
Molecular consequence: inframe insertion.
Genome position: GRCh38 VCF-style: chr16-13948043-T-TGCAACAAAGCACAAA. GRCh37 (hg19) VCF-style: chr16-14041900-T-TGCAACAAAGCACAAA.
Identifiers: ClinVar variation 2048776 (VCV002048776.4), dbSNP rs2543196320, ClinGen allele CA2580090714.